The following is an entry in ClinVar:

NM_000096.4(CP):c.1209-15T>A

Gene: CP (ceruloplasmin; minus strand). Cytogenetic location: 3q25.1.
Variant type: single nucleotide variant.
Coding change: c.1209-15T>A on transcript NM_000096.4 (MANE Select); 15 bases into the intron before coding-DNA position 1209, T replaced by A.
Molecular consequence: intron variant.
Genome position (GRCh38, 1-based): chr3:149,202,256, A>T on the plus strand (T>A on the coding strand, the complement: CP is on the minus strand). VCF-style: chr3-149202256-A-T. GRCh37 (hg19) VCF-style: chr3-148920043-A-T.
Identifiers: ClinVar variation 343774 (VCV000343774.17), dbSNP rs35465173, ClinGen allele CA2661099.

ClinVar aggregate classification (germline): Benign/Likely benign. Review status: criteria provided, multiple submitters, no conflicts (2 of 4 stars). 4 submissions from 4 submitters: Benign (1); Likely benign (3). Last evaluated 2026-02-02.

Conditions:
Deficiency of ferroxidase (ACEP). Also called: Aceruloplasminemia; Deficiency of ceruloplasmin; Ceruloplasmin deficiency; Familial apoceruloplasmin deficiency; Hereditary ceruloplasmin deficiency; NEURODEGENERATION WITH BRAIN IRON ACCUMULATION 10. Identifiers: Orphanet 48818, MedGen C0878682, MONDO:0011426, OMIM 604290, HP:0025498.

Allele frequency attached by ClinVar (database versions not stated): gnomAD exomes 0.00131 and 0.00348; ExAC 0.00415; gnomAD 0.01362 and 0.01446; TOPMed 0.01483; ESP Exome Variant Server 0.01507; 1000 Genomes Project 0.01518; 1000 Genomes Project 30x 0.01733.
gnomAD v4.1: 4,090 of 1,614,036 alleles (0.25%); highest among the groups gnomAD compares: African/African-American, 4.5%; 80 homozygotes.

Submissions (7):

Labcorp Genetics (formerly Invitae), Labcorp
Classification: Benign for Deficiency of ferroxidase. Last evaluated: 2026-02-02. Review status: criteria provided, single submitter. Criteria: Invitae Variant Classification Sherloc (09022015). Collection method: clinical testing. Allele origin: germline.

GeneDx
Classification: Likely benign. Last evaluated: 2018-07-14. Review status: criteria provided, single submitter. Criteria: GeneDx Variant Classification Process June 2021. Collection method: clinical testing. Allele origin: germline. Affected: yes.

Illumina Laboratory Services, Illumina
Classification: Likely benign for Deficiency of ferroxidase. Last evaluated: 2017-04-27. Review status: criteria provided, single submitter. Criteria: ICSL Variant Classification Criteria 13 December 2019. Collection method: clinical testing. Allele origin: germline.
Comment: This variant was observed as part of a predisposition screen in an ostensibly healthy population. A literature search was performed for the gene, cDNA change, and amino acid change (where applicable). No publications were found based on this search. Allele frequency data from public databases allowed determination this variant is unlikely to cause disease. Therefore, this variant is classified as likely benign.

Breakthrough Genomics
Classification: Likely benign. Review status: criteria provided, single submitter. Criteria: ACMG Guidelines, 2015. Collection method: not provided. Allele origin: germline. Inheritance: Autosomal recessive inheritance. Affected: yes.

Dr. Peter K. Rogan Lab, Western University
No classification provided (evidence only). Condition: Uterine corpus endometrial carcinoma. Review status: no classification provided. Collection method: in vitro. Allele origin: not applicable. Functional consequence: retained intron. Not counted in ClinVar's aggregate classification.

Dr. Peter K. Rogan Lab, Western University
No classification provided (evidence only). Condition: Cervical cancer. Review status: no classification provided. Collection method: in vitro. Allele origin: not applicable. Functional consequence: retained intron. Not counted in ClinVar's aggregate classification.

Dr. Peter K. Rogan Lab, Western University
No classification provided (evidence only). Condition: Nonpapillary renal cell carcinoma. Review status: no classification provided. Collection method: in vitro. Allele origin: not applicable. Functional consequence: retained intron. Not counted in ClinVar's aggregate classification.